The following is an entry in ClinVar:

NM_015450.3(POT1):c.1049C>A (p.Ala350Asp)

Gene: POT1 (protection of telomeres 1; minus strand). Cytogenetic location: 7q31.33.
Variant type: single nucleotide variant.
Coding change: c.1049C>A on transcript NM_015450.3 (MANE Select); coding-DNA position 1049, C replaced by A.
Protein change: p.Ala350Asp; replaces alanine 350 with aspartic acid.
Molecular consequence: missense variant. On other transcripts: non-coding transcript variant (3).
Genome position (GRCh38, 1-based): chr7:124,842,921, G>T on the plus strand (C>A on the coding strand, the complement: POT1 is on the minus strand). VCF-style: chr7-124842921-G-T. GRCh37 (hg19) VCF-style: chr7-124482975-G-T.
Other names: c.656C>A, p.Ala219Asp (NM_001042594.2); short protein forms A219D, A350D.
Identifiers: ClinVar variation 2851795 (VCV002851795.3), dbSNP rs2485402485, ClinGen allele CA369068515.
Genomic context (GRCh38, chr7:124,842,921, plus strand): 5'-TTATATGACCTCAATTTTGCTCGGATGCGGTATTGTTGAGGAGCTTTTTGTTTCAAAATG[G>T]CACATAGTGGTGTCCTCTCCAAATACTGATGATCTGTAAGTACTGTAAAGAATTTTTATA-3'
Protein context (NP_056265.2, residues 340-360): HQYLERTPLC[Ala350Asp]ILKQKAPQQY

ClinVar aggregate classification (germline): Uncertain significance (1 of 4 stars; one submission).

Conditions:
Tumor predisposition syndrome 3 (TPDS3). Also called: LONG TELOMERE SYNDROME, POT1-RELATED; POT1 Tumor Predisposition; Melanoma, cutaneous malignant, susceptibility to, 10; Glioma susceptibility 9. Identifiers: Orphanet 618, MedGen C4014476, MONDO:0014368, OMIM 615848.

Submission:

Labcorp Genetics (formerly Invitae), Labcorp
Classification: Uncertain significance for Tumor predisposition syndrome 3. Last evaluated: 2023-06-02. Review status: criteria provided, single submitter. Criteria: Invitae Variant Classification Sherloc (09022015). Collection method: clinical testing. Allele origin: germline.
Comment: In summary, the available evidence is currently insufficient to determine the role of this variant in disease. Therefore, it has been classified as a Variant of Uncertain Significance. Advanced modeling of protein sequence and biophysical properties (such as structural, functional, and spatial information, amino acid conservation, physicochemical variation, residue mobility, and thermodynamic stability) performed at Invitae indicates that this missense variant is not expected to disrupt POT1 protein function. This variant has not been reported in the literature in individuals affected with POT1-related conditions. This variant is not present in population databases (gnomAD no frequency). This sequence change replaces alanine, which is neutral and non-polar, with aspartic acid, which is acidic and polar, at codon 350 of the POT1 protein (p.Ala350Asp).